The following is an entry in ClinVar:

NM_002894.3(RBBP8):c.328C>T (p.Arg110Trp)

Gene: RBBP8 (RB binding protein 8, endonuclease; plus strand). Cytogenetic location: 18q11.2.
Variant type: single nucleotide variant.
Coding change: c.328C>T on transcript NM_002894.3 (MANE Select); coding-DNA position 328, C replaced by T.
Protein change: p.Arg110Trp; replaces arginine 110 with tryptophan.
Molecular consequence: missense variant.
Genome position (GRCh38, 1-based): chr18:22,968,885, C>T. VCF-style: chr18-22968885-C-T. GRCh37 (hg19) VCF-style: chr18-20548848-C-T.
Other names: c.328C>T, p.Arg110Trp (NM_203291.2, NM_203292.2); c.328C>T (NM_002894.2); short protein forms R110W.
Identifiers: ClinVar variation 1414503 (VCV001414503.6), dbSNP rs372643826, ClinGen allele CA8909777.

ClinVar aggregate classification (germline): Uncertain significance. Review status: criteria provided, multiple submitters, no conflicts (2 of 4 stars). 2 submissions from 2 submitters: Uncertain significance (2). Last evaluated 2025-02-23.

Allele frequency attached by ClinVar (database versions not stated): ExAC 0.00004; gnomAD 0.00005; TOPMed 0.00005; gnomAD exomes 0.00006 and 0.00008; ESP Exome Variant Server 0.00008.

Submissions (2):

GeneDx
Classification: Uncertain significance. Last evaluated: 2025-02-23. Review status: criteria provided, single submitter. Criteria: GeneDx Variant Classification Process June 2021. Collection method: clinical testing. Allele origin: germline. Affected: yes.
Comment: In silico analysis supports that this missense variant has a deleterious effect on protein structure/function; Has not been previously published as pathogenic or benign in association with a RBBP8-related disorder to our knowledge; This variant is associated with the following publications: (PMID: 30561437)

Labcorp Genetics (formerly Invitae), Labcorp
Classification: Uncertain significance. Last evaluated: 2022-08-16. Review status: criteria provided, single submitter. Criteria: Invitae Variant Classification Sherloc (09022015). Collection method: clinical testing. Allele origin: germline.
Comment: This sequence change replaces arginine, which is basic and polar, with tryptophan, which is neutral and slightly polar, at codon 110 of the RBBP8 protein (p.Arg110Trp). This variant is present in population databases (rs372643826, gnomAD 0.01%). This variant has not been reported in the literature in individuals affected with RBBP8-related conditions. ClinVar contains an entry for this variant (Variation ID: 1414503). Algorithms developed to predict the effect of missense changes on protein structure and function are either unavailable or do not agree on the potential impact of this missense change (SIFT: "Deleterious"; PolyPhen-2: "Benign"; Align-GVGD: "Class C0"). In summary, the available evidence is currently insufficient to determine the role of this variant in disease. Therefore, it has been classified as a Variant of Uncertain Significance.